The following is an entry in ClinVar:

ClinVar aggregate classification (germline): Uncertain significance (1 of 4 stars; one submission).

Submission:

Labcorp Genetics (formerly Invitae), Labcorp
Classification: Uncertain significance. Last evaluated: 2022-09-27. Review status: criteria provided, single submitter. Criteria: Invitae Variant Classification Sherloc (09022015). Collection method: clinical testing. Allele origin: germline.
Comment: This variant is not present in population databases (gnomAD no frequency). This sequence change replaces glycine, which is neutral and non-polar, with aspartic acid, which is acidic and polar, at codon 281 of the COL9A1 protein (p.Gly281Asp). This variant has not been reported in the literature in individuals affected with COL9A1-related conditions. Advanced modeling of protein sequence and biophysical properties (such as structural, functional, and spatial information, amino acid conservation, physicochemical variation, residue mobility, and thermodynamic stability) performed at Invitae indicates that this missense variant is expected to disrupt COL9A1 protein function. In summary, the available evidence is currently insufficient to determine the role of this variant in disease. Therefore, it has been classified as a Variant of Uncertain Significance.

NM_001851.6(COL9A1):c.842G>A (p.Gly281Asp)

Gene: COL9A1 (collagen type IX alpha 1 chain; minus strand). Cytogenetic location: 6q13.
Variant type: single nucleotide variant.
Coding change: c.842G>A on transcript NM_001851.6 (MANE Select); coding-DNA position 842, G replaced by A.
Protein change: p.Gly281Asp; replaces glycine 281 with aspartic acid.
Molecular consequence: missense variant. On other transcripts: non-coding transcript variant (1).
Genome position (GRCh38, 1-based): chr6:70,281,424, C>T on the plus strand (G>A on the coding strand, the complement: COL9A1 is on the minus strand). VCF-style: chr6-70281424-C-T. GRCh37 (hg19) VCF-style: chr6-70991127-C-T.
Other names: c.113G>A, p.Gly38Asp (NM_001377289.1, NM_001377290.1, NM_078485.4); c.842G>A, p.Gly281Asp (NM_001377291.1); short protein forms G38D, G281D.
Identifiers: ClinVar variation 1962793 (VCV001962793.5), dbSNP rs745369282, ClinGen allele CA364665969.
Genomic context (GRCh38, chr6:70,281,424, plus strand): 5'-GAGGTGGCCTGGAGATAGAAACTTACGTCGATGCCATCGATGCCTGGAACTCCAGGGGGG[C>T]CCGGAGGCCCGGGAGGACCCTGCTCACCCGGGGGACCTCTCTGGCAAAAATAGCAGACAT-3'
Protein context (NP_001842.3, residues 271-291): PGEQGPPGPP[Gly281Asp]PPGVPGIDGI